The following is an entry in ClinVar:

ClinVar aggregate classification (germline): Pathogenic/Likely pathogenic. Review status: criteria provided, multiple submitters, no conflicts (2 of 4 stars). 7 submissions from 7 submitters: Pathogenic (1); Likely pathogenic (5). 1 of the submissions does not count toward it. Last evaluated 2026-05-12.

Conditions:
Maple syrup urine disease type 1A (MSUD1A). Also called: MSUD type 1A. Identifiers: MedGen C1855369, MONDO:0023691, OMIM 248600.
Maple syrup urine disease (MSUD). Identifiers: Orphanet 511, MedGen C0024776, MeSH D008375, MONDO:0009563. Disease mechanism: loss of function.
Maple syrup urine disease type 2 (MSUD2). Also called: Maple syrup urine disease, type II. Identifiers: MedGen C1855371, MONDO:0023693, OMIM 620699.

Allele frequency attached by ClinVar (database versions not stated): gnomAD below 0.00001 and 0.00001; TOPMed 0.00001; ExAC 0.00002; gnomAD exomes 0.00002.
gnomAD v4.1: 13 of 1,612,872 alleles (0.00081%); highest among the groups gnomAD compares: Admixed American, 0.0033%; no homozygotes.

Submissions (7):

Myriad Genetics, Inc.
Classification: Likely pathogenic for Maple syrup urine disease type 2. Last evaluated: 2026-05-12. Review status: criteria provided, single submitter. Criteria: Myriad Autosomal Dominant, Autosomal Recessive and X-Linked Classification Criteria (2023). Collection method: clinical testing. Allele origin: unknown.
Comment: NM_001918.3(DBT):c.1126C>T(R376C) is a missense variant classified as likely pathogenic in the context of maple syrup urine disease type II. R376C has been observed in cases with relevant disease (PMID: 37701324, 20570198, Jiakai_2024_(Article)). Relevant functional assessments of this variant are not available in the literature. R376C has been observed in referenced population frequency databases. In summary, NM_001918.3(DBT):c.1126C>T(R376C) is a missense variant that has been observed more frequently in cases with the relevant disease than in healthy populations. Please note: this variant was assessed in the context of healthy population screening.

Women's Health and Genetics/Laboratory Corporation of America, LabCorp
Classification: Likely pathogenic for Maple syrup urine disease. Last evaluated: 2025-08-28. Review status: criteria provided, single submitter. Criteria: LabCorp Variant Classification Summary - May 2015. Collection method: clinical testing. Allele origin: germline.
Comment: Variant summary: DBT c.1126C>T (p.Arg376Cys) results in a non-conservative amino acid change in the encoded protein sequence. Algorithms developed to predict the effect of missense changes on protein structure and function all suggest that this variant is likely to be disruptive. The variant allele was found at a frequency of 1.6e-05 in 251464 control chromosomes. The available data on variant occurrences in the general population are insufficient to allow any conclusion about variant significance. c.1126C>T has been observed in the presumed compound heterozygous state or homozygous state in at least 2 individuals affected with clinical features of Maple Syrup Urine Disease (MSUD) (Brodtkorb_2010, Tangeraas_2023) without strong evidence for causality. While patient plasma demonstrated a characteristic amino acid profile (elevated Valine, Isoleucine, Leucine and presence of Alloisoleucine) and fibroblasts demonstrated reduced BCKD activity and E2 protein content, the impact of this variant alone when not in a compound heterozygous state could not be defined (Brodtkorb_2010), nor were other genes primarily associated for the MUSD phenotype adequately ruled out (BCKDHA, BCKDHB). These report(s) do not provide unequivocal conclusions about association of the variant with Maple Syrup Urine Disease. To our knowledge, no experimental evidence demonstrating an impact on protein function has been reported. The following publications have been ascertained in the context of this evaluation (PMID: 20570198, 37701324). ClinVar contains an entry for this variant (Variation ID: 554556). Based on the evidence outlined above, the variant was classified as likely pathogenic.

Fulgent Genetics
Classification: Likely pathogenic for Maple syrup urine disease type 2. Last evaluated: 2024-04-16. Review status: criteria provided, single submitter. Criteria: ACMG Guidelines, 2015. Collection method: clinical testing. Allele origin: germline.

Labcorp Genetics (formerly Invitae), Labcorp
Classification: Likely pathogenic for Maple syrup urine disease. Last evaluated: 2023-05-22. Review status: criteria provided, single submitter. Criteria: Invitae Variant Classification Sherloc (09022015). Collection method: clinical testing. Allele origin: germline.
Comment: This sequence change replaces arginine, which is basic and polar, with cysteine, which is neutral and slightly polar, at codon 376 of the DBT protein (p.Arg376Cys). This variant is present in population databases (rs768389398, gnomAD 0.006%). This missense change has been observed in individual(s) with maple syrup urine disease (PMID: 20570198). ClinVar contains an entry for this variant (Variation ID: 554556). Advanced modeling of protein sequence and biophysical properties (such as structural, functional, and spatial information, amino acid conservation, physicochemical variation, residue mobility, and thermodynamic stability) performed at Invitae indicates that this missense variant is expected to disrupt DBT protein function. In summary, the currently available evidence indicates that the variant is pathogenic, but additional data are needed to prove that conclusively. Therefore, this variant has been classified as Likely Pathogenic.

Genome-Nilou Lab
Classification: Likely pathogenic for Maple syrup urine disease type 1A. Last evaluated: 2021-11-07. Review status: criteria provided, single submitter. Criteria: ACMG Guidelines, 2015. Collection method: clinical testing. Allele origin: germline. Affected: no.

CeGaT Center for Human Genetics Tuebingen
Classification: Pathogenic. Last evaluated: 2018-10-01. Review status: criteria provided, single submitter. Criteria: CeGaT Center For Human Genetics Tuebingen Variant Classification Criteria Version 2. Collection method: clinical testing. Allele origin: germline. Affected: yes. Observed: 1 variant allele.

Counsyl
Classification: Uncertain significance for Maple syrup urine disease type 1A. Last evaluated: 2017-10-25. Review status: no assertion criteria provided. Collection method: clinical testing. Allele origin: unknown. Not counted in ClinVar's aggregate classification.

Literature cited by the submitters: PubMed 20570198 (cited by 3 submitters); PubMed 37701324 (cited by Women's Health and Genetics/Laboratory Corporation of America, LabCorp).

NM_001918.5(DBT):c.1126C>T (p.Arg376Cys)

Gene: DBT (dihydrolipoamide branched chain transacylase E2; minus strand). Cytogenetic location: 1p21.2.
Variant type: single nucleotide variant.
Coding change: c.1126C>T on transcript NM_001918.5 (MANE Select); coding-DNA position 1126, C replaced by T.
Protein change: p.Arg376Cys; replaces arginine 376 with cysteine.
Molecular consequence: missense variant.
Genome position (GRCh38, 1-based): chr1:100,206,528, G>A on the plus strand (C>T on the coding strand, the complement: DBT is on the minus strand). VCF-style: chr1-100206528-G-A. GRCh37 (hg19) VCF-style: chr1-100672084-G-A.
Other names: short protein forms R376C.
Identifiers: ClinVar variation 554556 (VCV000554556.54), dbSNP rs768389398, ClinGen allele CA969568.